The following is an entry in ClinVar:

ClinVar aggregate classification (germline): Uncertain significance (1 of 4 stars; one submission).

Conditions:
MHC class II deficiency. Also called: Bare lymphocyte syndrome 2; BLS, TYPE II. Identifiers: Orphanet 572, MedGen C5447452, MONDO:0008855.

Allele frequency attached by ClinVar (database versions not stated): gnomAD 0.00001; gnomAD exomes 0.00002; ExAC 0.00007.

Submission:

Labcorp Genetics (formerly Invitae), Labcorp
Classification: Uncertain significance for MHC class II deficiency. Last evaluated: 2022-07-15. Review status: criteria provided, single submitter. Criteria: Invitae Variant Classification Sherloc (09022015). Collection method: clinical testing. Allele origin: germline.
Comment: In summary, the available evidence is currently insufficient to determine the role of this variant in disease. Therefore, it has been classified as a Variant of Uncertain Significance. Algorithms developed to predict the effect of missense changes on protein structure and function output the following: SIFT: "Tolerated"; PolyPhen-2: "Benign"; Align-GVGD: "Class C0". The valine amino acid residue is found in multiple mammalian species, which suggests that this missense change does not adversely affect protein function. This sequence change replaces isoleucine, which is neutral and non-polar, with valine, which is neutral and non-polar, at codon 455 of the RFX5 protein (p.Ile455Val). This variant is present in population databases (rs767628288, gnomAD 0.05%). This variant has not been reported in the literature in individuals affected with RFX5-related conditions.

NM_001025603.2(RFX5):c.1363A>G (p.Ile455Val)

Gene: RFX5 (regulatory factor X5; minus strand). Cytogenetic location: 1q21.3.
Variant type: single nucleotide variant.
Coding change: c.1363A>G on transcript NM_001025603.2 (MANE Select); coding-DNA position 1363, A replaced by G.
Protein change: p.Ile455Val; replaces isoleucine 455 with valine.
Molecular consequence: missense variant.
Genome position (GRCh38, 1-based): chr1:151,342,674, T>C on the plus strand (A>G on the coding strand, the complement: RFX5 is on the minus strand). VCF-style: chr1-151342674-T-C. GRCh37 (hg19) VCF-style: chr1-151315150-T-C.
Other names: c.1363A>G, p.Ile455Val (NM_000449.4, NM_001379412.1, NM_001379413.1 and 5 more transcripts); c.1243A>G, p.Ile415Val (NM_001379419.1, NM_001379420.1); short protein forms I415V, I455V.
Identifiers: ClinVar variation 1960820 (VCV001960820.5), dbSNP rs767628288, ClinGen allele CA1089621.